The following is an entry in ClinVar:

NM_001127208.3(TET2):c.1981C>G (p.His661Asp)

Genes: TET2 (tet methylcytosine dioxygenase 2; plus strand), TET2-AS1 (TET2 antisense RNA 1; minus strand). Cytogenetic location: 4q24.
Variant type: single nucleotide variant.
Coding change: c.1981C>G on transcript NM_001127208.3 (MANE Select); coding-DNA position 1981, C replaced by G.
Protein change: p.His661Asp; replaces histidine 661 with aspartic acid.
Molecular consequence: missense variant.
Genome position (GRCh38, 1-based): chr4:105,235,923, C>G. VCF-style: chr4-105235923-C-G. GRCh37 (hg19) VCF-style: chr4-106157080-C-G.
Other names: c.1981C>G, p.His661Asp (NM_017628.4); short protein forms H661D.
Identifiers: ClinVar variation 3455362 (VCV003455362.1).

ClinVar aggregate classification (germline): Uncertain significance (1 of 4 stars; one submission).

Submission:

Ambry Genetics
Classification: Uncertain significance. Last evaluated: 2024-12-02. Review status: criteria provided, single submitter. Criteria: Ambry Variant Classification Scheme 2023. Collection method: clinical testing. Allele origin: germline.
Comment: The p.H661D variant (also known as c.1981C>G), located in coding exon 1 of the TET2 gene, results from a C to G substitution at nucleotide position 1981. The histidine at codon 661 is replaced by aspartic acid, an amino acid with similar properties. This amino acid position is conserved. In addition, this alteration is predicted to be tolerated by in silico analysis. Based on the available evidence, the clinical significance of this variant remains unclear.